The following is an entry in ClinVar:

ClinVar aggregate classification (germline): Uncertain significance (1 of 4 stars; one submission).

Submission:

GeneDx
Classification: Uncertain significance. Last evaluated: 2026-01-20. Review status: criteria provided, single submitter. Criteria: GeneDx Variant Classification Process June 2021. Collection method: clinical testing. Allele origin: germline.
Comment: Not observed at significant frequency in large population cohorts (gnomAD); In silico analysis supports that this missense variant has a deleterious effect on protein structure/function; Has not been previously published as pathogenic or benign to our knowledge

NM_001145358.2(SIN3A):c.1984G>A (p.Glu662Lys)

Gene: SIN3A (SIN3 transcription regulator family member A; minus strand). Cytogenetic location: 15q24.2.
Variant type: single nucleotide variant.
Coding change: c.1984G>A on transcript NM_001145358.2 (MANE Select); coding-DNA position 1984, G replaced by A.
Protein change: p.Glu662Lys; replaces glutamic acid 662 with lysine.
Molecular consequence: missense variant.
Genome position (GRCh38, 1-based): chr15:75,396,367, C>T on the plus strand (G>A on the coding strand, the complement: SIN3A is on the minus strand). VCF-style: chr15-75396367-C-T. GRCh37 (hg19) VCF-style: chr15-75688708-C-T.
Other names: c.1984G>A, p.Glu662Lys (NM_001145357.2, NM_015477.3); short protein forms E662K.
Identifiers: ClinVar variation 3253367 (VCV003253367.2), dbSNP rs2542611003.